The following is an entry in ClinVar:

NM_000372.5(TYR):c.258T>G (p.Asn86Lys)

Gene: TYR (tyrosinase; plus strand). Cytogenetic location: 11q14.3.
Variant type: single nucleotide variant.
Coding change: c.258T>G on transcript NM_000372.5 (MANE Select); coding-DNA position 258, T replaced by G.
Protein change: p.Asn86Lys; replaces asparagine 86 with lysine.
Molecular consequence: missense variant.
Genome position (GRCh38, 1-based): chr11:89,178,211, T>G. VCF-style: chr11-89178211-T-G. GRCh37 (hg19) VCF-style: chr11-88911379-T-G.
Other names: short protein forms N86K.
Identifiers: ClinVar variation 1433302 (VCV001433302.8), dbSNP rs1464099781, ClinGen allele CA382033965.

ClinVar aggregate classification (germline): Uncertain significance (1 of 4 stars; one submission).

gnomAD v4.1: 2 of 1,614,174 alleles (0.00012%); highest among the groups gnomAD compares: Middle Eastern, 0.016%; no homozygotes.

Submission:

Labcorp Genetics (formerly Invitae), Labcorp
Classification: Uncertain significance. Last evaluated: 2021-04-17. Review status: criteria provided, single submitter. Criteria: Invitae Variant Classification Sherloc (09022015). Collection method: clinical testing. Allele origin: germline.
Comment: In summary, the available evidence is currently insufficient to determine the role of this variant in disease. Therefore, it has been classified as a Variant of Uncertain Significance. Algorithms developed to predict the effect of sequence changes on RNA splicing suggest that this variant may create or strengthen a splice site, but this prediction has not been confirmed by published transcriptional studies. Algorithms developed to predict the effect of missense changes on protein structure and function are either unavailable or do not agree on the potential impact of this missense change (SIFT: "Tolerated"; PolyPhen-2: "Probably Damaging"; Align-GVGD: "Class C0"). This variant has not been reported in the literature in individuals with TYR-related conditions. This variant is not present in population databases (ExAC no frequency). This sequence change replaces asparagine with lysine at codon 86 of the TYR protein (p.Asn86Lys). The asparagine residue is highly conserved and there is a moderate physicochemical difference between asparagine and lysine.